The following is an entry in ClinVar:

ClinVar aggregate classification (germline): Uncertain significance. Review status: criteria provided, multiple submitters, no conflicts (2 of 4 stars). 2 submissions from 2 submitters: Uncertain significance (2). Last evaluated 2023-12-18.

Conditions:
Deficiency of hyaluronoglucosaminidase (MPS9). Also called: HYALURONIDASE DEFICIENCY; MPS IX; Mucopolysaccharidosis type 9. Identifiers: Orphanet 67041, MedGen C1291490, MONDO:0011093, OMIM 601492.

Allele frequency attached by ClinVar (database versions not stated): gnomAD 0.00003; ExAC 0.00006; TOPMed 0.00009.
gnomAD v4.1: 96 of 1,614,076 alleles (0.0059%); highest among the groups gnomAD compares: Admixed American, 0.012%; no homozygotes.

Submissions (2):

Ambry Genetics
Classification: Uncertain significance. Last evaluated: 2023-12-18. Review status: criteria provided, single submitter. Criteria: Ambry Variant Classification Scheme 2023. Collection method: clinical testing. Allele origin: germline.

Labcorp Genetics (formerly Invitae), Labcorp
Classification: Uncertain significance for Deficiency of hyaluronoglucosaminidase. Last evaluated: 2022-06-08. Review status: criteria provided, single submitter. Criteria: Invitae Variant Classification Sherloc (09022015). Collection method: clinical testing. Allele origin: germline.
Comment: This sequence change replaces glycine, which is neutral and non-polar, with arginine, which is basic and polar, at codon 402 of the HYAL1 protein (p.Gly402Arg). This variant is present in population databases (rs782734624, gnomAD 0.01%). This variant has not been reported in the literature in individuals affected with HYAL1-related conditions. Algorithms developed to predict the effect of missense changes on protein structure and function are either unavailable or do not agree on the potential impact of this missense change (SIFT: "Tolerated"; PolyPhen-2: "Possibly Damaging"; Align-GVGD: "Class C0"). In summary, the available evidence is currently insufficient to determine the role of this variant in disease. Therefore, it has been classified as a Variant of Uncertain Significance.

NM_033159.4(HYAL1):c.1204G>C (p.Gly402Arg)

Gene: HYAL1 (hyaluronidase 1; minus strand). Cytogenetic location: 3p21.31.
Variant type: single nucleotide variant.
Coding change: c.1204G>C on transcript NM_033159.4 (MANE Select); coding-DNA position 1204, G replaced by C.
Protein change: p.Gly402Arg; replaces glycine 402 with arginine.
Molecular consequence: missense variant. On other transcripts: non-coding transcript variant (1).
Genome position (GRCh38, 1-based): chr3:50,300,587, C>G on the plus strand (G>C on the coding strand, the complement: HYAL1 is on the minus strand). VCF-style: chr3-50300587-C-G. GRCh37 (hg19) VCF-style: chr3-50338018-C-G.
Other names: c.1204G>C (NM_153281.1); c.1204G>C, p.Gly402Arg (NM_007312.3, NM_153281.2); c.1114G>C, p.Gly372Arg (NM_153282.3); c.658G>C, p.Gly220Arg (NM_153283.3); c.427G>C, p.Gly143Arg (NM_153285.3); short protein forms G372R, G402R, G220R, G143R.
Identifiers: ClinVar variation 2042955 (VCV002042955.2), dbSNP rs782734624, ClinGen allele CA2415707.
Genomic context (GRCh38, chr3:50,300,587, plus strand): 5'-GGTAGCATCGACATTTGAACTCCACAGCCATCTGTGCCTGATCTTCAAGTGAGAGGGCAC[C>G]CCGCAGGCTCAGGGGCCCACCACCAGGCGTGAGCTGGATGGAGAAACTGGCAGGGTTAAG-3'
Protein context (NP_149349.2, residues 392-412): TPGGGPLSLR[Gly402Arg]ALSLEDQAQM